The following is an entry in ClinVar:

NM_002283.4(KRT85):c.550G>A (p.Glu184Lys)

Gene: KRT85 (keratin 85; minus strand). Cytogenetic location: 12q13.13.
Variant type: single nucleotide variant.
Coding change: c.550G>A on transcript NM_002283.4 (MANE Select); coding-DNA position 550, G replaced by A.
Protein change: p.Glu184Lys; replaces glutamic acid 184 with lysine.
Molecular consequence: missense variant.
Genome position (GRCh38, 1-based): chr12:52,365,041, C>T on the plus strand (G>A on the coding strand, the complement: KRT85 is on the minus strand). VCF-style: chr12-52365041-C-T. GRCh37 (hg19) VCF-style: chr12-52758825-C-T.
Other names: c.550G>A (NM_002283.3); short protein forms E184K.
Identifiers: ClinVar variation 2081288 (VCV002081288.5), dbSNP rs138267130, ClinGen allele CA6578255.

ClinVar aggregate classification (germline): Conflicting classifications of pathogenicity. Review status: criteria provided, conflicting classifications (1 of 4 stars). 2 submissions from 2 submitters: Uncertain significance (1); Likely benign (1). Last evaluated 2025-02-05.

Allele frequency attached by ClinVar (database versions not stated): gnomAD 0.00005; TOPMed 0.00012; ESP Exome Variant Server 0.00015; ExAC 0.00044.

Submissions (2):

GeneDx
Classification: Uncertain significance. Last evaluated: 2025-02-05. Review status: criteria provided, single submitter. Criteria: GeneDx Variant Classification Process June 2021. Collection method: clinical testing. Allele origin: germline. Affected: yes.
Comment: Has not been previously published as pathogenic or benign to our knowledge; In silico analysis supports that this missense variant has a deleterious effect on protein structure/function

Labcorp Genetics (formerly Invitae), Labcorp
Classification: Likely benign. Last evaluated: 2024-05-28. Review status: criteria provided, single submitter. Criteria: Invitae Variant Classification Sherloc (09022015). Collection method: clinical testing. Allele origin: germline.